The following is an entry in ClinVar:

NM_001852.4(COL9A2):c.839G>A (p.Gly280Asp)

Gene: COL9A2 (collagen type IX alpha 2 chain; minus strand). Cytogenetic location: 1p34.2.
Variant type: single nucleotide variant.
Coding change: c.839G>A on transcript NM_001852.4 (MANE Select); coding-DNA position 839, G replaced by A.
Protein change: p.Gly280Asp; replaces glycine 280 with aspartic acid.
Molecular consequence: missense variant.
Genome position (GRCh38, 1-based): chr1:40,309,945, C>T on the plus strand (G>A on the coding strand, the complement: COL9A2 is on the minus strand). VCF-style: chr1-40309945-C-T. GRCh37 (hg19) VCF-style: chr1-40775617-C-T.
Other names: short protein forms G280D.
Identifiers: ClinVar variation 2845184 (VCV002845184.3), dbSNP rs2522538414, ClinGen allele CA339853602.

ClinVar aggregate classification (germline): Uncertain significance (1 of 4 stars; one submission).

Submission:

Labcorp Genetics (formerly Invitae), Labcorp
Classification: Uncertain significance. Last evaluated: 2023-03-16. Review status: criteria provided, single submitter. Criteria: Invitae Variant Classification Sherloc (09022015). Collection method: clinical testing. Allele origin: germline.
Comment: In summary, the available evidence is currently insufficient to determine the role of this variant in disease. Therefore, it has been classified as a Variant of Uncertain Significance. Advanced modeling of protein sequence and biophysical properties (such as structural, functional, and spatial information, amino acid conservation, physicochemical variation, residue mobility, and thermodynamic stability) performed at Invitae indicates that this missense variant is expected to disrupt COL9A2 protein function. This variant has not been reported in the literature in individuals affected with COL9A2-related conditions. This variant is not present in population databases (gnomAD no frequency). This sequence change replaces glycine, which is neutral and non-polar, with aspartic acid, which is acidic and polar, at codon 280 of the COL9A2 protein (p.Gly280Asp).